The following is an entry in ClinVar:

ClinVar aggregate classification (germline): Uncertain significance. Review status: criteria provided, multiple submitters, no conflicts (2 of 4 stars). 2 submissions from 2 submitters: Uncertain significance (2). Last evaluated 2022-09-13.

Conditions:
Inborn genetic diseases. Identifiers: MedGen C0950123, MeSH D030342.

Submissions (2):

Labcorp Genetics (formerly Invitae), Labcorp
Classification: Uncertain significance. Last evaluated: 2022-09-13. Review status: criteria provided, single submitter. Criteria: Invitae Variant Classification Sherloc (09022015). Collection method: clinical testing. Allele origin: germline.
Comment: This sequence change replaces aspartic acid, which is acidic and polar, with tyrosine, which is neutral and polar, at codon 681 of the ERCC2 protein (p.Asp681Tyr). This variant is not present in population databases (gnomAD no frequency). This variant has not been reported in the literature in individuals affected with ERCC2-related conditions. Advanced modeling of protein sequence and biophysical properties (such as structural, functional, and spatial information, amino acid conservation, physicochemical variation, residue mobility, and thermodynamic stability) performed at Invitae indicates that this missense variant is expected to disrupt ERCC2 protein function. This variant disrupts the p.Asp681 amino acid residue in ERCC2. Other variant(s) that disrupt this residue have been determined to be pathogenic (PMID: 11443545, 18470933, 23232694). This suggests that this residue is clinically significant, and that variants that disrupt this residue are likely to be disease-causing. In summary, the available evidence is currently insufficient to determine the role of this variant in disease. Therefore, it has been classified as a Variant of Uncertain Significance.

Ambry Genetics
Classification: Uncertain significance for Inborn genetic diseases. Last evaluated: 2022-01-18. Review status: criteria provided, single submitter. Criteria: Ambry Variant Classification Scheme 2023. Collection method: clinical testing. Allele origin: germline.
Comment: The p.D681Y variant (also known as c.2041G>T), located in coding exon 21 of the ERCC2 gene, results from a G to T substitution at nucleotide position 2041. The aspartic acid at codon 681 is replaced by tyrosine, an amino acid with highly dissimilar properties. This amino acid position is conserved. In addition, this alteration is predicted to be deleterious by in silico analysis. Since supporting evidence is limited at this time, the clinical significance of this alteration remains unclear.

Literature cited by the submitters: PubMed 11443545 (cited by Labcorp Genetics (formerly Invitae), Labcorp); PubMed 18470933 (cited by Labcorp Genetics (formerly Invitae), Labcorp); PubMed 23232694 (cited by Labcorp Genetics (formerly Invitae), Labcorp).

NM_000400.4(ERCC2):c.2041G>T (p.Asp681Tyr)

Gene: ERCC2 (ERCC excision repair 2, TFIIH core complex helicase subunit; minus strand). Cytogenetic location: 19q13.32.
Variant type: single nucleotide variant.
Coding change: c.2041G>T on transcript NM_000400.4 (MANE Select); coding-DNA position 2041, G replaced by T.
Protein change: p.Asp681Tyr; replaces aspartic acid 681 with tyrosine.
Molecular consequence: missense variant.
Genome position (GRCh38, 1-based): chr19:45,352,511, C>A on the plus strand (G>T on the coding strand, the complement: ERCC2 is on the minus strand). VCF-style: chr19-45352511-C-A. GRCh37 (hg19) VCF-style: chr19-45855769-C-A.
Other names: short protein forms D681Y.
Identifiers: ClinVar variation 1784919 (VCV001784919.4), dbSNP rs121913023, ClinGen allele CA406362706.